The following is an entry in ClinVar:

ClinVar aggregate classification (germline): Pathogenic. Review status: criteria provided, single submitter (1 of 4 stars). 4 submissions from 4 submitters: Pathogenic (1). 3 of the submissions do not count toward it. Last evaluated 2020-10-27.

Conditions:
Hereditary motor neuron disease. Also called: Genetic motor neuron disease. Identifiers: Orphanet 98505, MedGen C0270763, MONDO:0024257.
Amyotrophic lateral sclerosis type 1 (ALS1). Also called: AMYOTROPHIC LATERAL SCLEROSIS 1, FAMILIAL. Identifiers: Orphanet 803, MedGen C1862939, MONDO:0007103, OMIM 105400.
Perry syndrome. Also called: PARKINSONISM WITH ALVEOLAR HYPOVENTILATION AND MENTAL DEPRESSION. Identifiers: Orphanet 178509, MedGen C1868594, MONDO:0008201, OMIM 168605.
Neuronopathy, distal hereditary motor, type 7B. Also called: NEURONOPATHY, DISTAL HEREDITARY MOTOR, AUTOSOMAL DOMINANT 14; NEURONOPATHY, DISTAL HEREDITARY MOTOR, HARDING TYPE VIIB; NEUROPATHY, DISTAL HEREDITARY MOTOR, HARDING TYPE VIIB; NEUROPATHY, DISTAL HEREDITARY MOTOR, WITH VOCAL CORD PARALYSIS, HARDING TYPE VIIB; LOWER MOTOR NEURON DISEASE, DYNACTIN TYPE; HMN VIIB. Identifiers: Orphanet 139589, MedGen C1843315, MONDO:0011879, OMIM 607641.

Submissions (4):

Labcorp Genetics (formerly Invitae), Labcorp
Classification: Pathogenic for Amyotrophic lateral sclerosis type 1; Neuronopathy, distal hereditary motor, type 7B; Perry syndrome. Last evaluated: 2020-10-27. Review status: criteria provided, single submitter. Criteria: Invitae Variant Classification Sherloc (09022015). Collection method: clinical testing. Allele origin: germline.
Comment: For these reasons, this variant has been classified as Pathogenic. Experimental studies have shown that this missense change reduces the ability of the dynactin protein to properly bind microtubules and leads to protein aggregation and loss of motor neurons (PMID: 12627231, 19279216, 16505168, 23143281). Additionally, several mouse models have recapitulated the disease phenotype observed in individuals carrying this variant. (PMID: 18364389, 18094236). This variant has been reported to segregate with hereditary motor neuropathy, type 7B in a single family and has also been reported in additional, unrelated affected individuals (PMID: 12627231, 27573046 ). ClinVar contains an entry for this variant (Variation ID: 8401). This variant is not present in population databases (ExAC no frequency). This sequence change replaces glycine with serine at codon 59 of the DCTN1 protein (p.Gly59Ser). The glycine residue is highly conserved and there is a small physicochemical difference between glycine and serine.

Inherited Neuropathy Consortium Ii, University Of Miami
Classification: Uncertain significance for Perry syndrome. Last evaluated: 2016-01-06. Review status: no assertion criteria provided. Collection method: literature only. Allele origin: germline. Affected: yes. Not counted in ClinVar's aggregate classification.

OMIM
Classification: Pathogenic for NEURONOPATHY, DISTAL HEREDITARY MOTOR, AUTOSOMAL DOMINANT 14. Last evaluated: 2009-03-31. Review status: no assertion criteria provided. Collection method: literature only. Allele origin: germline. Not counted in ClinVar's aggregate classification.

Inherited Neuropathy Consortium
Classification: Uncertain significance for Genetic motor neuron disease. Review status: no assertion criteria provided. Collection method: literature only. Allele origin: germline. Affected: yes. Not counted in ClinVar's aggregate classification.

Literature cited by the submitters: PubMed 12627231 (cited by 4 submitters); PubMed 19279216 (cited by Labcorp Genetics (formerly Invitae), Labcorp and OMIM); PubMed 16505168 (cited by Labcorp Genetics (formerly Invitae), Labcorp and OMIM); PubMed 23143281 (cited by Labcorp Genetics (formerly Invitae), Labcorp); PubMed 18364389 (cited by Labcorp Genetics (formerly Invitae), Labcorp); PubMed 18094236 (cited by Labcorp Genetics (formerly Invitae), Labcorp); PubMed 27573046 (cited by Labcorp Genetics (formerly Invitae), Labcorp); PubMed 12062019 (cited by OMIM).

NM_004082.5(DCTN1):c.175G>A (p.Gly59Ser)

Gene: DCTN1 (dynactin subunit 1; minus strand). Cytogenetic location: 2p13.1.
Variant type: single nucleotide variant.
Coding change: c.175G>A on transcript NM_004082.5 (MANE Select); coding-DNA position 175, G replaced by A.
Protein change: p.Gly59Ser; replaces glycine 59 with serine.
Molecular consequence: missense variant. On other transcripts: non-coding transcript variant (1).
Genome position (GRCh38, 1-based): chr2:74,378,104, C>T on the plus strand (G>A on the coding strand, the complement: DCTN1 is on the minus strand). VCF-style: chr2-74378104-C-T. GRCh37 (hg19) VCF-style: chr2-74605231-C-T.
Other names: c.175G>A, p.Gly59Ser (NM_001135040.3, NM_001190837.2); c.124G>A, p.Gly42Ser (NM_001190836.2, NM_001378991.1, NM_001378992.1); short protein forms G59S, G42S.
Identifiers: ClinVar variation 8401 (VCV000008401.12), dbSNP rs121909342, ClinGen allele CA340781.